The following is an entry in ClinVar:

ClinVar aggregate classification (germline): Uncertain significance (1 of 4 stars; one submission).

Conditions:
Candidiasis, familial, 8 (CANDF8). Identifiers: Orphanet 1334, MedGen C3714992, MONDO:0014230, OMIM 615527.

Allele frequency attached by ClinVar (database versions not stated): gnomAD exomes 0.00001; ExAC 0.00002; gnomAD 0.00003; TOPMed 0.00005; ESP Exome Variant Server 0.00008.
gnomAD v4.1: 8 of 1,604,180 alleles (0.0005%); highest among the groups gnomAD compares: African/African-American, 0.011%; no homozygotes.

Submission:

Labcorp Genetics (formerly Invitae), Labcorp
Classification: Uncertain significance for Candidiasis, familial, 8. Last evaluated: 2022-02-23. Review status: criteria provided, single submitter. Criteria: Invitae Variant Classification Sherloc (09022015). Collection method: clinical testing. Allele origin: germline.
Comment: This sequence change replaces proline, which is neutral and non-polar, with histidine, which is basic and polar, at codon 298 of the TRAF3IP2 protein (p.Pro298His). This variant is present in population databases (rs139657171, gnomAD 0.008%). This variant has not been reported in the literature in individuals affected with TRAF3IP2-related conditions. Algorithms developed to predict the effect of missense changes on protein structure and function are either unavailable or do not agree on the potential impact of this missense change (SIFT: "Tolerated"; PolyPhen-2: "Possibly Damaging"; Align-GVGD: "Class C0"). In summary, the available evidence is currently insufficient to determine the role of this variant in disease. Therefore, it has been classified as a Variant of Uncertain Significance.

NM_147686.4(TRAF3IP2):c.893C>A (p.Pro298His)

Genes: TRAF3IP2 (TRAF3 interacting protein 2; minus strand), TRAF3IP2-AS1 (TRAF3IP2 antisense RNA 1; plus strand). Cytogenetic location: 6q21.
Variant type: single nucleotide variant.
Coding change: c.893C>A on transcript NM_147686.4 (MANE Select); coding-DNA position 893, C replaced by A.
Protein change: p.Pro298His; replaces proline 298 with histidine.
Molecular consequence: missense variant.
Genome position (GRCh38, 1-based): chr6:111,580,326, G>T on the plus strand (C>A on the coding strand, the complement: TRAF3IP2 is on the minus strand). VCF-style: chr6-111580326-G-T. GRCh37 (hg19) VCF-style: chr6-111901529-G-T.
Other names: c.893C>A, p.Pro298His (NM_001164281.3); c.920C>A, p.Pro307His (NM_147200.3); short protein forms P298H, P307H.
Identifiers: ClinVar variation 1905380 (VCV001905380.2), dbSNP rs139657171, ClinGen allele CA3963225.